The following is an entry in ClinVar:

NC_000011.9:g.(?_108098352)_(108124786_?)del

Gene: ATM (ATM serine/threonine kinase; plus strand). Cytogenetic location: 11q22.3.
Variant type: Deletion.
Identifiers: ClinVar variation 1428083 (VCV001428083.4).

ClinVar aggregate classification (germline): Pathogenic (1 of 4 stars; one submission).

Conditions:
Ataxia-telangiectasia syndrome (AT). Also called: Ataxia telangiectasia (A-T); LOUIS-BAR SYNDROME; Cerebello-oculocutaneous telangiectasia; Immunodeficiency with ataxia telangiectasia; AT, COMPLEMENTATION GROUP C; Ataxia-telangiectasia, complementation group D. Identifiers: Orphanet 100, MedGen C0004135, MONDO:0008840, OMIM 208900.

Submission:

Labcorp Genetics (formerly Invitae), Labcorp
Classification: Pathogenic for Ataxia-telangiectasia syndrome. Last evaluated: 2021-05-30. Review status: criteria provided, single submitter. Criteria: Invitae Variant Classification Sherloc (09022015). Collection method: clinical testing. Allele origin: germline.
Comment: For these reasons, this variant has been classified as Pathogenic. This variant has not been reported in the literature in individuals with ATM-related conditions. This variant is a gross deletion of the genomic region encompassing exon(s) 2-13 of the ATM gene, which includes the initiator codon. The 5' end of this event is unknown as it extends beyond the assayed region for this gene and therefore may encompass additional genes. The 3' boundary is likely confined to intron 13 of the ATM gene. It is expected to result in an absent or disrupted protein product. Loss-of-function variants in ATM are known to be pathogenic (PMID: 23807571, 25614872).

Literature cited by the submitters: PubMed 23807571; PubMed 25614872.